The following is an entry in ClinVar:

ClinVar aggregate classification (germline): Conflicting classifications of pathogenicity. Review status: criteria provided, conflicting classifications (1 of 4 stars). 2 submissions from 2 submitters: Uncertain significance (1); Likely benign (1). Last evaluated 2024-12-03.

Allele frequency attached by ClinVar (database versions not stated): gnomAD 0.00001; gnomAD exomes 0.00001 and 0.00008; TOPMed 0.00003; ExAC 0.00011.
gnomAD v4.1: 21 of 1,591,304 alleles (0.0013%); highest among the groups gnomAD compares: Admixed American, 0.035%; no homozygotes.

Submissions (2):

Ambry Genetics
Classification: Likely benign. Last evaluated: 2024-12-03. Review status: criteria provided, single submitter. Criteria: Ambry Variant Classification Scheme 2023. Collection method: clinical testing. Allele origin: germline.

Labcorp Genetics (formerly Invitae), Labcorp
Classification: Uncertain significance. Last evaluated: 2021-08-25. Review status: criteria provided, single submitter. Criteria: Invitae Variant Classification Sherloc (09022015). Collection method: clinical testing. Allele origin: germline.
Comment: This variant has not been reported in the literature in individuals affected with LIPI-related conditions. In summary, the available evidence is currently insufficient to determine the role of this variant in disease. Therefore, it has been classified as a Variant of Uncertain Significance. Algorithms developed to predict the effect of missense changes on protein structure and function output the following: SIFT: "Tolerated"; PolyPhen-2: "Benign"; Align-GVGD: "Class C0". The lysine amino acid residue is found in multiple mammalian species, which suggests that this missense change does not adversely affect protein function. This variant is present in population databases (rs781517464, ExAC 0.1%). This sequence change replaces glutamic acid with lysine at codon 337 of the LIPI protein (p.Glu337Lys). The glutamic acid residue is weakly conserved and there is a small physicochemical difference between glutamic acid and lysine.

NM_001302998.2(LIPI):c.946G>A (p.Glu316Lys)

Gene: LIPI (lipase I; minus strand). Cytogenetic location: 21q11.2.
Variant type: single nucleotide variant.
Coding change: c.946G>A on transcript NM_001302998.2 (MANE Select); coding-DNA position 946, G replaced by A.
Protein change: p.Glu316Lys; replaces glutamic acid 316 with lysine.
Molecular consequence: missense variant.
Genome position (GRCh38, 1-based): chr21:14,163,479, C>T on the plus strand (G>A on the coding strand, the complement: LIPI is on the minus strand). VCF-style: chr21-14163479-C-T. GRCh37 (hg19) VCF-style: chr21-15535800-C-T.
Other names: c.856G>A, p.Glu286Lys (NM_001302999.2); c.946G>A, p.Glu316Lys (NM_001303000.2, NM_001303001.2); c.841G>A, p.Glu281Lys (NM_001379565.1); c.451G>A, p.Glu151Lys (NM_001379566.1); c.811G>A, p.Glu271Lys (NM_198996.4); c.1009G>A (NM_198996.2); short protein forms E151K, E286K, E271K, E281K, E316K.
Identifiers: ClinVar variation 1383166 (VCV001383166.7), dbSNP rs781517464, ClinGen allele CA9979473.